The following is an entry in ClinVar:

NM_014905.5(GLS):c.197A>C (p.Glu66Ala)

Gene: GLS (glutaminase; plus strand). Cytogenetic location: 2q32.2.
Variant type: single nucleotide variant.
Coding change: c.197A>C on transcript NM_014905.5 (MANE Select); coding-DNA position 197, A replaced by C.
Protein change: p.Glu66Ala; replaces glutamic acid 66 with alanine.
Molecular consequence: missense variant.
Genome position (GRCh38, 1-based): chr2:190,881,281, A>C. VCF-style: chr2-190881281-A-C. GRCh37 (hg19) VCF-style: chr2-191746007-A-C.
Other names: c.197A>C, p.Glu66Ala (NM_001256310.2); short protein forms E66A.
Identifiers: ClinVar variation 3899214 (VCV003899214.2).
Genomic context (GRCh38, chr2:190,881,281, plus strand): 5'-CGGGCCCGGCTGCCGCCGCGCGACTCCACCCGTGGTGGGGCGGGGGCGGCTGGCCGGCGG[A>C]GCCCCTCGCGCGGGGCCTGTCCAGCTCTCCTTCGGAGATCTTGCAGGAGCTGGGCAAGGG-3'
Protein context (NP_055720.3, residues 56-76): PWWGGGGWPA[Glu66Ala]PLARGLSSSP

ClinVar aggregate classification (germline): Uncertain significance (1 of 4 stars; one submission).

Conditions:
GLS-related disorder. Also called: GLS-related condition.

gnomAD v4.1: 6 of 1,327,094 alleles (0.00045%); highest among the groups gnomAD compares: Non-Finnish European, 0.00058%; no homozygotes.

Submission:

GeneDx
Classification: Uncertain significance. Last evaluated: 2024-11-10. Review status: criteria provided, single submitter. Criteria: GeneDx Variant Classification Process June 2021. Collection method: clinical testing. Allele origin: germline. Affected: yes.
Comment: Not observed at significant frequency in large population cohorts (gnomAD); In silico analysis indicates that this missense variant does not alter protein structure/function; Has not been previously published as pathogenic or benign to our knowledge